The following is an entry in ClinVar:

ClinVar aggregate classification (germline): Pathogenic. Review status: criteria provided, multiple submitters, no conflicts (2 of 4 stars). 2 submissions from 2 submitters: Pathogenic (2). Last evaluated 2026-06-15.

Conditions:
Hypertrophic cardiomyopathy 26. Also called: Cardiomyopathy, familial hypertrophic, 26. Identifiers: Orphanet 75249, MedGen C4310749, MONDO:0014883, OMIM 617047.
Myofibrillar myopathy 5. Also called: Filaminopathy (type); FILAMINOPATHY, AUTOSOMAL DOMINANT. Identifiers: Orphanet 171445, MedGen C1836050, MONDO:0012289, OMIM 609524.
Distal myopathy with posterior leg and anterior hand involvement. Also called: WILLIAMS DISTAL MYOPATHY. Identifiers: Orphanet 63273, MedGen C3279722, MONDO:0013550, OMIM 614065.
Cardiovascular phenotype. Identifiers: MedGen CN230736.

Submissions (2):

Ambry Genetics
Classification: Pathogenic for Cardiovascular phenotype. Last evaluated: 2026-06-15. Review status: criteria provided, single submitter. Criteria: Ambry Variant Classification Scheme 2023. Collection method: clinical testing. Allele origin: germline.
Comment: The c.7496_7497insTGCT pathogenic mutation, located in coding exon 45 of the FLNC gene, results from an insertion of 4 nucleotides at position 7496, causing a translational frameshift with a predicted alternate stop codon (p.Q2499Hfs*46). This variant was reported in individual(s) with features consistent with dilated cardiomyopathy (DCM) (Stafford F et al. Genome Med, 2022 Dec;14:145; Hespe S et al. Eur Heart J Case Rep, 2023 Dec;7:ytad572). This variant is considered to be rare based on population cohorts in the Genome Aggregation Database (gnomAD). This alteration is expected to result in loss of function by premature protein truncation or nonsense-mediated mRNA decay. As such, this alteration is interpreted as a disease-causing mutation for FLNC-related dilated cardiomyopathy; however, its clinical significance for FLNC-related hypertrophy/restrictive cardiomyopathy and/or skeletal myopathy is uncertain.

Labcorp Genetics (formerly Invitae), Labcorp
Classification: Pathogenic for Distal myopathy with posterior leg and anterior hand involvement; Myofibrillar myopathy 5; Hypertrophic cardiomyopathy 26. Last evaluated: 2022-01-16. Review status: criteria provided, single submitter. Criteria: Invitae Variant Classification Sherloc (09022015). Collection method: clinical testing. Allele origin: germline.
Comment: ClinVar contains an entry for this variant (Variation ID: 539334). This sequence change creates a premature translational stop signal (p.Gln2499Hisfs*46) in the FLNC gene. It is expected to result in an absent or disrupted protein product. Loss-of-function variants in FLNC are known to be pathogenic (PMID: 27908349). This variant is not present in population databases (gnomAD no frequency). This variant has not been reported in the literature in individuals affected with FLNC-related conditions. For these reasons, this variant has been classified as Pathogenic.

Literature cited by the submitters: PubMed 36578016 (cited by Ambry Genetics); PubMed 38116480 (cited by Ambry Genetics); PubMed 27908349 (cited by Labcorp Genetics (formerly Invitae), Labcorp).

NM_001458.5(FLNC):c.7496_7497insTGCT (p.Gln2499fs)

Genes: FLNC (filamin C; plus strand), FLNC-AS1 (FLNC antisense RNA 1; minus strand). Cytogenetic location: 7q32.1.
Variant type: Insertion.
Coding change: c.7496_7497insTGCT on transcript NM_001458.5 (MANE Select); coding-DNA positions 7496 to 7497, TGCT inserted.
Protein change: p.Gln2499fs; shifts the reading frame from glutamine 2499.
Molecular consequence: frameshift variant.
Genome position: GRCh38 VCF-style: chr7-128856856-A-ATGCT. GRCh37 (hg19) VCF-style: chr7-128496910-A-ATGCT.
Other names: c.7397_7398insTGCT, p.Gln2466fs (NM_001127487.2); short protein forms Q2466fs, Q2499fs.
Identifiers: ClinVar variation 539334 (VCV000539334.8), dbSNP rs1554401830, ClinGen allele CA658797006.
Genomic context (GRCh38, chr7:128,856,856, plus strand): 5'-ATGTCAAGTTCAACGGTGCCCACATCCCTGGAAGTCCCTTCAAGATCCGCGTTGGGGAGC[A>ATGCT]GAGCCAGGCTGGGGACCCAGGCTTGGTGTCAGCCTACGGTCCTGGGCTCGAGGGAGGCAC-3'